The following is an entry in ClinVar:

ClinVar aggregate classification (germline): Uncertain significance (1 of 4 stars; one submission).

Conditions:
Hereditary pancreatitis (PCTT). Also called: Hereditary chronic pancreatitis; PRSS1-Related Hereditary Pancreatitis. Identifiers: Orphanet 676, MedGen C0238339, MONDO:0008185, OMIM 167800.

Submission:

Ambry Genetics
Classification: Uncertain significance for Hereditary pancreatitis. Last evaluated: 2024-02-24. Review status: criteria provided, single submitter. Criteria: Ambry Variant Classification Scheme 2023. Collection method: clinical testing. Allele origin: germline.
Comment: The p.F232S variant (also known as c.695T>C), located in coding exon 7 of the CTRC gene, results from a T to C substitution at nucleotide position 695. The phenylalanine at codon 232 is replaced by serine, an amino acid with highly dissimilar properties. This amino acid position is conserved. In addition, this alteration is predicted to be tolerated by in silico analysis. Based on the available evidence, the clinical significance of this alteration remains unclear.

NM_007272.3(CTRC):c.695T>C (p.Phe232Ser)

Gene: CTRC (chymotrypsin C; plus strand). Cytogenetic location: 1p36.21.
Variant type: single nucleotide variant.
Coding change: c.695T>C on transcript NM_007272.3 (MANE Select); coding-DNA position 695, T replaced by C.
Protein change: p.Phe232Ser; replaces phenylalanine 232 with serine.
Molecular consequence: missense variant.
Genome position (GRCh38, 1-based): chr1:15,445,652, T>C. VCF-style: chr1-15445652-T-C. GRCh37 (hg19) VCF-style: chr1-15772147-T-C.
Other names: short protein forms F232S.
Identifiers: ClinVar variation 3226085 (VCV003226085.1), dbSNP rs2526303503, ClinGen allele CA338567788.